The following is an entry in ClinVar:

NM_013328.4(PYCR2):c.400G>A (p.Val134Met)

Gene: PYCR2 (pyrroline-5-carboxylate reductase 2; minus strand). Cytogenetic location: 1q42.12.
Variant type: single nucleotide variant.
Coding change: c.400G>A on transcript NM_013328.4 (MANE Select); coding-DNA position 400, G replaced by A.
Protein change: p.Val134Met; replaces valine 134 with methionine.
Molecular consequence: missense variant. On other transcripts: intron variant (1).
Genome position (GRCh38, 1-based): chr1:225,921,998, C>T on the plus strand (G>A on the coding strand, the complement: PYCR2 is on the minus strand). VCF-style: chr1-225921998-C-T. GRCh37 (hg19) VCF-style: chr1-226109698-C-T.
Other names: c.318+206G>A (NM_001271681.2); short protein forms V134M.
Identifiers: ClinVar variation 872905 (VCV000872905.2), dbSNP rs1671854827, ClinGen allele CA345006148.

ClinVar aggregate classification (germline): Likely pathogenic (1 of 4 stars; one submission).

Conditions:
Leukodystrophy, hypomyelinating, 10. Also called: PYCR2-related microcephaly-progressive leukoencephalopathy. Identifiers: Orphanet 481152, MedGen C4225332, MONDO:0014632, OMIM 616420.

Allele frequency attached by ClinVar (database versions not stated): TOPMed below 0.00001.

Submission:

Center of Excellence in Precision Medicine and Digital Health (CEPMDH), Faculty of Dentistry, Chulalongkorn University
Classification: Likely pathogenic for Leukodystrophy, hypomyelinating, 10. Review status: criteria provided, single submitter. Criteria: ACMG Guidelines, 2015. Collection method: research. Allele origin: germline. Inheritance: Autosomal recessive inheritance. Affected: yes. Observed: 2 variant alleles, 1 compound heterozygote, 1 homozygote.
Comment: The c.400G>A (p.Val134Met) in PYCR2 located in NAD(P)-binding domain. The missense mutation in this domain was previously reported in patients with hypomyelinating leukodystrophy 10 (Nakayama et al., 2015). The variant is classified as likely pathogenic using ACMG guideline with the following evidence; PM1, PM2, PP2, PP3 and PP4.